The following is an entry in ClinVar:

ClinVar aggregate classification (germline): Uncertain significance. Review status: criteria provided, multiple submitters, no conflicts (2 of 4 stars). 2 submissions from 2 submitters: Uncertain significance (2). Last evaluated 2025-08-21.

Conditions:
Xanthinuria type II. Also called: Xanthine dehydrogenase and aldehyde oxidase combined deficiency of; XDH and AOX dual deficiency. Identifiers: Orphanet 3467, Orphanet 93602, MedGen C1863688, MONDO:0011346, OMIM 603592.
Inborn genetic diseases. Identifiers: MedGen C0950123, MeSH D030342.

Allele frequency attached by ClinVar (database versions not stated): TOPMed 0.00002; ExAC 0.00003; gnomAD 0.00003.
gnomAD v4.1: 7 of 1,613,950 alleles (0.00043%); highest among the groups gnomAD compares: African/African-American, 0.004%; no homozygotes.

Submissions (2):

Ambry Genetics
Classification: Uncertain significance for Inborn genetic diseases. Last evaluated: 2025-08-21. Review status: criteria provided, single submitter. Criteria: Ambry Variant Classification Scheme 2023. Collection method: clinical testing. Allele origin: germline.

Labcorp Genetics (formerly Invitae), Labcorp
Classification: Uncertain significance for Xanthinuria type II. Last evaluated: 2022-07-13. Review status: criteria provided, single submitter. Criteria: Invitae Variant Classification Sherloc (09022015). Collection method: clinical testing. Allele origin: germline.
Comment: This variant has not been reported in the literature in individuals affected with XDH-related conditions. This variant is present in population databases (rs759322927, gnomAD 0.01%). This sequence change replaces arginine, which is basic and polar, with glutamine, which is neutral and polar, at codon 881 of the XDH protein (p.Arg881Gln). Algorithms developed to predict the effect of missense changes on protein structure and function are either unavailable or do not agree on the potential impact of this missense change (SIFT: "Deleterious"; PolyPhen-2: "Benign"; Align-GVGD: "Class C35"). In summary, the available evidence is currently insufficient to determine the role of this variant in disease. Therefore, it has been classified as a Variant of Uncertain Significance.

NM_000379.4(XDH):c.2642G>A (p.Arg881Gln)

Gene: XDH (xanthine dehydrogenase; minus strand). Cytogenetic location: 2p23.1.
Variant type: single nucleotide variant.
Coding change: c.2642G>A on transcript NM_000379.4 (MANE Select); coding-DNA position 2642, G replaced by A.
Protein change: p.Arg881Gln; replaces arginine 881 with glutamine.
Molecular consequence: missense variant.
Genome position (GRCh38, 1-based): chr2:31,350,213, C>T on the plus strand (G>A on the coding strand, the complement: XDH is on the minus strand). VCF-style: chr2-31350213-C-T. GRCh37 (hg19) VCF-style: chr2-31573079-C-T.
Other names: c.2642G>A (NM_000379.3); short protein forms R881Q.
Identifiers: ClinVar variation 2173714 (VCV002173714.3), dbSNP rs759322927, ClinGen allele CA1598718.